The following is an entry in ClinVar:

ClinVar aggregate classification (germline): Uncertain significance (0 of 4 stars; one submission).

Conditions:
TARDBP-related disorder. Also called: TARDBP-related condition.

Submission:

PreventionGenetics, part of Exact Sciences
Classification: Uncertain significance for TARDBP-related condition. Last evaluated: 2024-07-11. Review status: no assertion criteria provided. Collection method: clinical testing. Allele origin: germline.
Comment: The TARDBP c.615T>G variant is predicted to result in the amino acid substitution p.Asp205Glu. To our knowledge, this variant has not been reported in the literature. This variant is reported in 0.0029% of alleles in individuals of Latino descent in gnomAD. At this time, the clinical significance of this variant is uncertain due to the absence of conclusive functional and genetic evidence.

NM_007375.4(TARDBP):c.615T>G (p.Asp205Glu)

Gene: TARDBP (TAR DNA binding protein; plus strand). Cytogenetic location: 1p36.22.
Variant type: single nucleotide variant.
Coding change: c.615T>G on transcript NM_007375.4 (MANE Select); coding-DNA position 615, T replaced by G.
Protein change: p.Asp205Glu; replaces aspartic acid 205 with glutamic acid.
Molecular consequence: missense variant.
Genome position (GRCh38, 1-based): chr1:11,020,500, T>G. VCF-style: chr1-11020500-T-G. GRCh37 (hg19) VCF-style: chr1-11080557-T-G.
Other names: short protein forms D205E.
Identifiers: ClinVar variation 3354787 (VCV003354787.1).